The following is an entry in ClinVar:

NM_000093.5(COL5A1):c.1370A>G (p.Glu457Gly)

Gene: COL5A1 (collagen type V alpha 1 chain; plus strand). Cytogenetic location: 9q34.3.
Variant type: single nucleotide variant.
Coding change: c.1370A>G on transcript NM_000093.5 (MANE Select); coding-DNA position 1370, A replaced by G.
Protein change: p.Glu457Gly; replaces glutamic acid 457 with glycine.
Molecular consequence: missense variant.
Genome position (GRCh38, 1-based): chr9:134,732,108, A>G. VCF-style: chr9-134732108-A-G. GRCh37 (hg19) VCF-style: chr9-137623954-A-G.
Other names: c.1370A>G, p.Glu457Gly (NM_001278074.1); short protein forms E457G.
Identifiers: ClinVar variation 1317785 (VCV001317785.2), dbSNP rs2132643376, ClinGen allele CA375451549.

ClinVar aggregate classification (germline): Uncertain significance (1 of 4 stars; one submission).

Submission:

GeneDx
Classification: Uncertain significance. Last evaluated: 2021-03-31. Review status: criteria provided, single submitter. Criteria: GeneDx Variant Classification Process June 2021. Collection method: clinical testing. Allele origin: germline. Affected: yes.
Comment: Has not been previously published as pathogenic or benign to our knowledge; Not observed in large population cohorts (Lek et al., 2016); In silico analysis supports that this missense variant has a deleterious effect on protein structure/function; Not located in the triple helical region, where the majority of pathogenic missense variants occur (Symoens et al., 2012; Stenson et al., 2014)